The following is an entry in ClinVar:

NM_018100.4(EFHC1):c.1177T>A (p.Ser393Thr)

Gene: EFHC1 (EF-hand domain containing 1; plus strand). Cytogenetic location: 6p12.2.
Variant type: single nucleotide variant.
Coding change: c.1177T>A on transcript NM_018100.4 (MANE Select); coding-DNA position 1177, T replaced by A.
Protein change: p.Ser393Thr; replaces serine 393 with threonine.
Molecular consequence: missense variant. On other transcripts: non-coding transcript variant (1).
Genome position (GRCh38, 1-based): chr6:52,469,372, T>A. VCF-style: chr6-52469372-T-A. GRCh37 (hg19) VCF-style: chr6-52334170-T-A.
Other names: c.1120T>A, p.Ser374Thr (NM_001172420.2); short protein forms S374T, S393T.
Identifiers: ClinVar variation 4881247 (VCV004881247.2).

ClinVar aggregate classification (germline): Uncertain significance (1 of 4 stars; one submission).

Submission:

Dasa
Classification: Uncertain significance. Last evaluated: 2025-10-09. Review status: criteria provided, single submitter. Criteria: DASA Assertion Criteria. Collection method: clinical testing. Allele origin: germline.
Comment: NM_018100.4(EFHC1):c.1177T>A (p.Ser393Thr) is a missense variant that results in the substitution of serine with threonine. This variant is absent from population databases. The currently available literature and clinical evidence are not sufficient to establish a definitive association between this variant and the reported condition. Therefore, this variant is classified as a variant of uncertain significance.